The following is an entry in ClinVar:

ClinVar aggregate classification (germline): Likely benign. Review status: criteria provided, single submitter (1 of 4 stars). 2 submissions from 2 submitters: Likely benign (1). 1 of the submissions does not count toward it. Last evaluated 2024-10-22.

Conditions:
IL10RA-related disorder. Also called: IL10RA-related condition.
Inflammatory bowel disease 28. Also called: Inflammatory bowel disease 28, early onset, autosomal recessive. Identifiers: Orphanet 238569, MedGen C2751053, MONDO:0013153, OMIM 613148.

Allele frequency attached by ClinVar (database versions not stated): gnomAD exomes 0.00002 and 0.00006; gnomAD 0.00005 and 0.00007; TOPMed 0.00005; ExAC 0.00007; 1000 Genomes Project 0.00020; 1000 Genomes Project 30x 0.00031.
gnomAD v4.1: 41 of 1,614,210 alleles (0.0025%); highest among the groups gnomAD compares: Admixed American, 0.01%; no homozygotes.

Submissions (2):

Labcorp Genetics (formerly Invitae), Labcorp
Classification: Likely benign for Inflammatory bowel disease 28. Last evaluated: 2024-10-22. Review status: criteria provided, single submitter. Criteria: Invitae Variant Classification Sherloc (09022015). Collection method: clinical testing. Allele origin: germline.

PreventionGenetics, part of Exact Sciences
Classification: Likely benign for IL10RA-related condition. Last evaluated: 2020-02-19. Review status: no assertion criteria provided. Collection method: clinical testing. Allele origin: germline. Not counted in ClinVar's aggregate classification.
Comment: This variant is classified as likely benign based on ACMG/AMP sequence variant interpretation guidelines (Richards et al. 2015 PMID: 25741868, with internal and published modifications).

NM_001558.4(IL10RA):c.1518G>A (p.Leu506=)

Gene: IL10RA (interleukin 10 receptor subunit alpha; plus strand). Cytogenetic location: 11q23.3.
Variant type: single nucleotide variant.
Coding change: c.1518G>A on transcript NM_001558.4 (MANE Select); coding-DNA position 1518, G replaced by A.
Protein change: p.Leu506=; no amino-acid change (leucine 506 retained).
Molecular consequence: synonymous variant. On other transcripts: non-coding transcript variant (1).
Genome position (GRCh38, 1-based): chr11:117,999,422, G>A. VCF-style: chr11-117999422-G-A. GRCh37 (hg19) VCF-style: chr11-117870137-G-A.
Identifiers: ClinVar variation 538057 (VCV000538057.12), dbSNP rs187556084, ClinGen allele CA6299199.